The following is an entry in ClinVar:

NM_002693.3(POLG):c.1222C>G (p.Gln408Glu)

Gene: POLG (DNA polymerase gamma, catalytic subunit; minus strand). Cytogenetic location: 15q26.1.
Variant type: single nucleotide variant.
Coding change: c.1222C>G on transcript NM_002693.3 (MANE Select); coding-DNA position 1222, C replaced by G.
Protein change: p.Gln408Glu; replaces glutamine 408 with glutamic acid.
Molecular consequence: missense variant.
Genome position (GRCh38, 1-based): chr15:89,328,484, G>C on the plus strand (C>G on the coding strand, the complement: POLG is on the minus strand). VCF-style: chr15-89328484-G-C. GRCh37 (hg19) VCF-style: chr15-89871715-G-C.
Other names: c.1222C>G, p.Gln408Glu (NM_001126131.2); short protein forms Q408E.
Identifiers: ClinVar variation 1309237 (VCV001309237.4), dbSNP rs2152067799, ClinGen allele CA393764049.

ClinVar aggregate classification (germline): Uncertain significance. Review status: criteria provided, multiple submitters, no conflicts (2 of 4 stars). 3 submissions from 3 submitters: Uncertain significance (3). Last evaluated 2025-12-08.

Conditions:
Inborn genetic diseases. Identifiers: MedGen C0950123, MeSH D030342.

gnomAD v4.1: 2 of 1,613,854 alleles (0.00012%); highest among the groups gnomAD compares: Non-Finnish European, 0.00017%; no homozygotes.

Submissions (3):

Ambry Genetics
Classification: Uncertain significance for Inborn genetic diseases. Last evaluated: 2025-12-08. Review status: criteria provided, single submitter. Criteria: Ambry Variant Classification Scheme 2023. Collection method: clinical testing. Allele origin: germline.

Blueprint Genetics
Classification: Uncertain significance. Last evaluated: 2024-03-08. Review status: criteria provided, single submitter. Criteria: ACMG Guidelines, 2015. Collection method: clinical testing. Allele origin: germline.

GeneDx
Classification: Uncertain significance. Last evaluated: 2019-10-15. Review status: criteria provided, single submitter. Criteria: GeneDx Variant Classification Process June 2021. Collection method: clinical testing. Allele origin: germline. Affected: yes.
Comment: Not observed in large population cohorts (Lek et al., 2016); In silico analysis, which includes protein predictors and evolutionary conservation, supports that this variant does not alter protein structure/function; Has not been previously published as pathogenic or benign to our knowledge